The following is an entry in ClinVar:

NM_004268.5(MED17):c.1548T>C (p.Tyr516=)

Gene: MED17 (mediator complex subunit 17; plus strand). Cytogenetic location: 11q21.
Variant type: single nucleotide variant.
Coding change: c.1548T>C on transcript NM_004268.5 (MANE Select); coding-DNA position 1548, T replaced by C.
Protein change: p.Tyr516=; no amino-acid change (tyrosine 516 retained).
Molecular consequence: synonymous variant.
Genome position (GRCh38, 1-based): chr11:93,807,599, T>C. VCF-style: chr11-93807599-T-C. GRCh37 (hg19) VCF-style: chr11-93540765-T-C.
Other names: p.Tyr516=.
Identifiers: ClinVar variation 129599 (VCV000129599.19), dbSNP rs16919389, ClinGen allele CA153676.

ClinVar aggregate classification (germline): Benign. Review status: criteria provided, multiple submitters, no conflicts (2 of 4 stars). 6 submissions from 6 submitters: Benign (4). 2 of the submissions do not count toward it. Last evaluated 2026-02-04.

Conditions:
Infantile cerebral and cerebellar atrophy with postnatal progressive microcephaly (MSBA). Identifiers: Orphanet 402364, MedGen C3150921, MONDO:0013351, OMIM 613668.

Allele frequency attached by ClinVar (database versions not stated): gnomAD exomes 0.00399 and 0.01052; ExAC 0.01277; 1000 Genomes Project 0.03854; 1000 Genomes Project 30x 0.04044; gnomAD 0.04169 and 0.04492; TOPMed 0.04717; ESP Exome Variant Server 0.04901.
gnomAD v4.1: 12,428 of 1,612,752 alleles (0.77%); highest among the groups gnomAD compares: African/African-American, 15%; 809 homozygotes.

Submissions (6):

Labcorp Genetics (formerly Invitae), Labcorp
Classification: Benign. Last evaluated: 2026-02-04. Review status: criteria provided, single submitter. Criteria: Invitae Variant Classification Sherloc (09022015). Collection method: clinical testing. Allele origin: germline.

Mayo Clinic Laboratories, Mayo Clinic
Classification: Benign. Last evaluated: 2022-03-24. Review status: criteria provided, single submitter. Criteria: ACMG Guidelines, 2015. Collection method: clinical testing. Allele origin: germline. Observed: 4 variant alleles.

GeneDx
Classification: Benign. Last evaluated: 2018-07-31. Review status: criteria provided, single submitter. Criteria: GeneDx Variant Classification Process June 2021. Collection method: clinical testing. Allele origin: germline. Affected: yes.

Breakthrough Genomics
Classification: Benign. Review status: criteria provided, single submitter. Criteria: ACMG Guidelines, 2015. Collection method: not provided. Allele origin: germline. Inheritance: Autosomal recessive inheritance. Affected: yes.

Natera, Inc.
Classification: Benign for Postnatal progressive microcephaly with seizures and brain atrophy. Last evaluated: 2019-11-26. Review status: no assertion criteria provided. Collection method: clinical testing. Allele origin: germline. Not counted in ClinVar's aggregate classification.

Genetic Services Laboratory, University of Chicago
Classification: Likely benign for AllHighlyPenetrant. Review status: no assertion criteria provided. Collection method: clinical testing. Allele origin: germline. Inheritance: Autosomal recessive inheritance. Not counted in ClinVar's aggregate classification.
Comment: Likely benign based on allele frequency in 1000 Genomes Project or ESP global frequency and its presence in a patient with a rare or unrelated disease phenotype. NOT Sanger confirmed.